The following is an entry in ClinVar:

ClinVar aggregate classification (germline): Benign. Review status: criteria provided, multiple submitters, no conflicts (2 of 4 stars). 2 submissions from 2 submitters: Benign (2). Last evaluated 2024-07-31.

Allele frequency attached by ClinVar (database versions not stated): 1000 Genomes Project 30x 0.12445; TOPMed 0.17607; ESP Exome Variant Server 0.19852; 1000 Genomes Project 0.11961.
gnomAD v4.1: 306,582 of 1,543,984 alleles (20%); highest among the groups gnomAD compares: Middle Eastern, 30%; 33,146 homozygotes.

Submissions (2):

Unidad de Genómica Garrahan, Hospital de Pediatría Garrahan
Classification: Benign. Last evaluated: 2024-07-31. Review status: criteria provided, single submitter. Criteria: ACMG Guidelines, 2015. Collection method: clinical testing. Allele origin: germline. Affected: no. Observed: 22 variant alleles.
Comment: This variant is classified as Benign based on local population frequency. This variant was detected in 24% of patients studied in a panel designed for Epileptic and Developmental Encephalopathy, Progressive Myoclonus Epilepsy and Abnormal Movements and Neurodegeneration with brain iron accumulation. Number of patients: 22. Only high quality variants are reported.

GeneDx
Classification: Benign. Last evaluated: 2018-08-21. Review status: criteria provided, single submitter. Criteria: GeneDx Variant Classification Process June 2021. Collection method: clinical testing. Allele origin: germline. Affected: yes.

NM_004562.3(PRKN):c.933+48C>T

Gene: PRKN (parkin RBR E3 ubiquitin protein ligase; minus strand). Cytogenetic location: 6q26.
Variant type: single nucleotide variant.
Coding change: c.933+48C>T on transcript NM_004562.3 (MANE Select); 48 bases into the intron after coding-DNA position 933, C replaced by T.
Molecular consequence: intron variant.
Genome position (GRCh38, 1-based): chr6:161,569,307, G>A on the plus strand (C>T on the coding strand, the complement: PRKN is on the minus strand). VCF-style: chr6-161569307-G-A. GRCh37 (hg19) VCF-style: chr6-161990339-G-A.
Other names: c.486+48C>T (NM_013988.3); c.849+48C>T (NM_013987.3).
Identifiers: ClinVar variation 1234850 (VCV001234850.5), dbSNP rs10945756, ClinGen allele CA4090101.